The following is an entry in ClinVar:

NM_001197104.2(KMT2A):c.2776T>C (p.Ser926Pro)

Gene: KMT2A (lysine methyltransferase 2A; plus strand). Cytogenetic location: 11q23.3.
Variant type: single nucleotide variant.
Coding change: c.2776T>C on transcript NM_001197104.2 (MANE Select); coding-DNA position 2776, T replaced by C.
Protein change: p.Ser926Pro; replaces serine 926 with proline.
Molecular consequence: missense variant.
Genome position (GRCh38, 1-based): chr11:118,473,935, T>C. VCF-style: chr11-118473935-T-C. GRCh37 (hg19) VCF-style: chr11-118344650-T-C.
Other names: c.2875T>C, p.Ser959Pro (NM_001412597.1); c.2776T>C, p.Ser926Pro (NM_005933.4); short protein forms S959P, S926P.
Identifiers: ClinVar variation 2985184 (VCV002985184.3), dbSNP rs782261966, ClinGen allele CA6303559.

ClinVar aggregate classification (germline): Uncertain significance (1 of 4 stars; one submission).

Allele frequency attached by ClinVar (database versions not stated): gnomAD 0.00001; gnomAD exomes 0.00001; ExAC 0.00002; TOPMed 0.00004.
gnomAD v4.1: 12 of 1,613,990 alleles (0.00074%); highest among the groups gnomAD compares: Non-Finnish European, 0.00093%; no homozygotes.

Submission:

Labcorp Genetics (formerly Invitae), Labcorp
Classification: Uncertain significance. Last evaluated: 2024-10-31. Review status: criteria provided, single submitter. Criteria: Invitae Variant Classification Sherloc (09022015). Collection method: clinical testing. Allele origin: germline.
Comment: This sequence change replaces serine, which is neutral and polar, with proline, which is neutral and non-polar, at codon 926 of the KMT2A protein (p.Ser926Pro). This variant is present in population databases (rs782261966, gnomAD 0.005%). This variant has not been reported in the literature in individuals affected with KMT2A-related conditions. ClinVar contains an entry for this variant (Variation ID: 2985184). Invitae Evidence Modeling of protein sequence and biophysical properties (such as structural, functional, and spatial information, amino acid conservation, physicochemical variation, residue mobility, and thermodynamic stability) indicates that this missense variant is not expected to disrupt KMT2A protein function with a negative predictive value of 95%. In summary, the available evidence is currently insufficient to determine the role of this variant in disease. Therefore, it has been classified as a Variant of Uncertain Significance.